The following is an entry in ClinVar:

ClinVar aggregate classification (germline): Uncertain significance (1 of 4 stars; one submission).

Submission:

Labcorp Genetics (formerly Invitae), Labcorp
Classification: Uncertain significance. Last evaluated: 2025-10-18. Review status: criteria provided, single submitter. Criteria: Invitae Variant Classification Sherloc (09022015). Collection method: clinical testing. Allele origin: germline.
Comment: This sequence change replaces arginine, which is basic and polar, with glycine, which is neutral and non-polar, at codon 110 of the SIX2 protein (p.Arg110Gly). This variant is not present in population databases (gnomAD no frequency). This variant has not been reported in the literature in individuals affected with SIX2-related conditions. Invitae Evidence Modeling of protein sequence and biophysical properties (such as structural, functional, and spatial information, amino acid conservation, physicochemical variation, residue mobility, and thermodynamic stability) indicates that this missense variant is expected to disrupt SIX2 protein function with a positive predictive value of 80%. In summary, the available evidence is currently insufficient to determine the role of this variant in disease. Therefore, it has been classified as a Variant of Uncertain Significance.

NM_016932.5(SIX2):c.328C>G (p.Arg110Gly)

Gene: SIX2 (SIX homeobox 2; minus strand). Cytogenetic location: 2p21.
Variant type: single nucleotide variant.
Coding change: c.328C>G on transcript NM_016932.5 (MANE Select); coding-DNA position 328, C replaced by G.
Protein change: p.Arg110Gly; replaces arginine 110 with glycine.
Molecular consequence: missense variant.
Genome position (GRCh38, 1-based): chr2:45,008,783, G>C on the plus strand (C>G on the coding strand, the complement: SIX2 is on the minus strand). VCF-style: chr2-45008783-G-C. GRCh37 (hg19) VCF-style: chr2-45235922-G-C.
Other names: short protein forms R110G.
Identifiers: ClinVar variation 4759557 (VCV004759557.1).
Genomic context (GRCh38, chr2:45,008,783, plus strand): 5'-AGTAGCTGGTCTCCTCGCCGTCCCAGATGGAGCGCGGCAGCGGGAATTTGCGGCGCACGC[G>C]GTATTTGCCCACGGCGCCCAGGGGTCGGCCGCGCAGCTTCTCCGCCTCGATGTAGTGTGC-3'
Protein context (NP_058628.3, residues 100-120): GRPLGAVGKY[Arg110Gly]VRRKFPLPRS